The following is an entry in ClinVar:

NM_005654.6(NR2F1):c.359dup (p.Tyr120Ter)

Genes: NR2F1 (nuclear receptor subfamily 2 group F member 1; plus strand), NR2F1-AS1 (NR2F1 antisense RNA 1; minus strand). Cytogenetic location: 5q15.
Variant type: Duplication.
Coding change: c.359dup on transcript NM_005654.6 (MANE Select); coding-DNA position 359, one base duplicated (A; older notation c.359dupA).
Protein change: p.Tyr120Ter; replaces tyrosine 120 with a stop codon.
Molecular consequence: nonsense.
Genome position (GRCh38, 1-based): chr5:93,585,382, A duplicated. VCF-style (leftmost placement, unchanged base first): chr5-93585381-T-TA. GRCh37 (hg19) VCF-style: chr5-92921087-T-TA.
Other names: short protein forms Y120*.
Identifiers: ClinVar variation 1194663 (VCV001194663.2), dbSNP rs2149941624, ClinGen allele CA2499218010.

ClinVar aggregate classification (germline): Pathogenic (1 of 4 stars; one submission).

Submission:

GeneDx
Classification: Pathogenic. Last evaluated: 2019-11-15. Review status: criteria provided, single submitter. Criteria: GeneDx Variant Classification Process June 2021. Collection method: clinical testing. Allele origin: germline. Affected: yes.
Comment: Nonsense variant predicted to result in protein truncation or nonsense mediated decay in a gene for which loss-of-function is a known mechanism of disease; Not observed in large population cohorts (Lek et al., 2016); Has not been previously published as pathogenic or benign to our knowledge